The following is an entry in ClinVar:

ClinVar aggregate classification (germline): Uncertain significance (1 of 4 stars; one submission).

Submission:

GeneDx
Classification: Uncertain significance. Last evaluated: 2024-06-13. Review status: criteria provided, single submitter. Criteria: GeneDx Variant Classification Process June 2021. Collection method: clinical testing. Allele origin: germline. Affected: yes.
Comment: Not observed at significant frequency in large population cohorts (gnomAD); In silico analysis indicates that this missense variant does not alter protein structure/function; Has not been previously published as pathogenic or benign to our knowledge

NM_000252.3(MTM1):c.503A>G (p.Asn168Ser)

Gene: MTM1 (myotubularin 1; plus strand). Cytogenetic location: Xq28.
Variant type: single nucleotide variant.
Coding change: c.503A>G on transcript NM_000252.3 (MANE Select); coding-DNA position 503, A replaced by G.
Protein change: p.Asn168Ser; replaces asparagine 168 with serine.
Molecular consequence: missense variant.
Genome position (GRCh38, 1-based): chrX:150,639,001, A>G. VCF-style: chrX-150639001-A-G. GRCh37 (hg19) VCF-style: chrX-149807474-A-G.
Other names: c.503A>G, p.Asn168Ser (NM_001376906.1, NM_001376908.1); c.392A>G, p.Asn131Ser (NM_001376907.1); short protein forms N131S, N168S.
Identifiers: ClinVar variation 3390468 (VCV003390468.1).